The following is an entry in ClinVar:

NM_000138.5(FBN1):c.4943-2A>T

Gene: FBN1 (fibrillin 1; minus strand). Cytogenetic location: 15q21.1.
Variant type: single nucleotide variant.
Coding change: c.4943-2A>T on transcript NM_000138.5 (MANE Select); the canonical splice acceptor site of the intron before coding-DNA position 4943, A replaced by T.
Molecular consequence: splice acceptor variant.
Genome position (GRCh38, 1-based): chr15:48,464,023, T>A on the plus strand (A>T on the coding strand, the complement: FBN1 is on the minus strand). VCF-style: chr15-48464023-T-A. GRCh37 (hg19) VCF-style: chr15-48756220-T-A.
Other names: c.4943-2A>T (NM_001406716.1).
Identifiers: ClinVar variation 3894353 (VCV003894353.1).

ClinVar aggregate classification (germline): Likely pathogenic (1 of 4 stars; one submission).

Conditions:
Familial thoracic aortic aneurysm and aortic dissection (TAAD). Also called: Thoracic aortic aneurysms and dissections. Identifiers: Orphanet 91387, MedGen C4707243, MONDO:0019625.

Submission:

Color Diagnostics, LLC DBA Color Health
Classification: Likely pathogenic for Familial thoracic aortic aneurysm and aortic dissection. Last evaluated: 2024-02-05. Review status: criteria provided, single submitter. Criteria: ACMG Guidelines, 2015. Collection method: clinical testing. Allele origin: germline.
Comment: This variant causes a A to T nucleotide substitution at the -2 position of intron 40 of the FBN1 gene. Splice site prediction tools predict that this variant may have a significant impact on RNA splicing. Although this prediction has not been confirmed in published RNA studies, this variant is expected to result in an absent or disrupted protein product. This variant has not been reported in individuals affected with FBN1-related disorders in the literature. This variant has not been identified in the general population by the Genome Aggregation Database (gnomAD). A different variant that is predicted to impact the same intron 40 splice acceptor site, c.4943-1G>C, has been reported in individuals affected with Marfan syndrome and is known to be disease-causing (ClinVar variation ID: 1325424). Loss of FBN1 gene function is a known mechanism of disease. Based on the available evidence, this variant is classified as Likely Pathogenic.